The following is an entry in ClinVar:

ClinVar aggregate classification (germline): Conflicting classifications of pathogenicity. Review status: criteria provided, conflicting classifications (1 of 4 stars). 11 submissions from 9 submitters: Likely pathogenic (3); Uncertain significance (8). Last evaluated 2026-03-13.
ClinVar aggregate classification (oncogenicity): Uncertain significance (1 of 4 stars; one submission).

Conditions:
Mitochondrial complex II deficiency, nuclear type 1. Also called: SUCCINATE CoQ REDUCTASE DEFICIENCY. Identifiers: Orphanet 3208, MedGen C5700310, MONDO:0100294, OMIM 252011.
Pheochromocytoma/paraganglioma syndrome 5. Also called: Paragangliomas 5; SDHA-Related Hereditary Paraganglioma-Pheochromocytoma Syndrome. Identifiers: Orphanet 29072, MedGen C3279992, MONDO:0013602, OMIM 614165.
Hereditary cancer-predisposing syndrome. Also called: Tumor predisposition; Hereditary neoplastic syndrome; Hereditary Cancer Syndrome; Neoplastic Syndromes, Hereditary. Identifiers: Orphanet 140162, MedGen C0027672, MeSH D009386, MONDO:0015356.
Gastrointestinal stromal tumor. Also called: Gastrointestinal stromal tumor, somatic; Gastrointestinal stroma tumor. Identifiers: Orphanet 44890, MedGen C0238198, MeSH D046152, MONDO:0011719, OMIM 606764, HP:0100723.
Hereditary pheochromocytoma and paraganglioma. Also called: Hereditary Paraganglioma-Pheochromocytoma Syndromes; Hereditary paragangliomas and pheochromocytomas; Hereditary pheochromocytoma-paraganglioma. Identifiers: Orphanet 29072, MedGen C4274332, MONDO:0017366.
Dilated cardiomyopathy 1GG (CMD1GG). Identifiers: Orphanet 154, MedGen C3150898, MONDO:0013339, OMIM 613642.
Leigh syndrome (NULS). Also called: Leigh Disease; LEIGH SYNDROME, NUCLEAR; Leigh Syndrome (mtDNA deletion); Leigh's necrotizing encephalopathy; Leigh's disease; Leigh's syndrome. Identifiers: Orphanet 506, MedGen C2931891, MONDO:0009723, OMIM 256000.
Neoplasm. Also called: tumor; Neoplasms; Neoplasm (disease). Identifiers: MedGen C0027651, MeSH D009369, MONDO:0005070, HP:0002664.

Allele frequency attached by ClinVar (database versions not stated): ExAC 0.00001; gnomAD exomes 0.00001; gnomAD 0.00003; TOPMed 0.00003.
gnomAD v4.1: 34 of 1,613,756 alleles (0.0021%); highest among the groups gnomAD compares: African/African-American, 0.0027%; no homozygotes.

Submissions (12):

Myriad Genetics, Inc.
Classification: Likely pathogenic for Pheochromocytoma/paraganglioma syndrome 5. Last evaluated: 2026-03-13. Review status: criteria provided, single submitter. Criteria: Myriad Autosomal Dominant, Autosomal Recessive and X-Linked Classification Criteria (2023). Collection method: clinical testing. Allele origin: unknown.
Comment: This variant is considered likely pathogenic. Functional studies indicate this variant impacts protein function [PMID: 39321216]. This variant is expected to disrupt protein structure [Myriad internal data]. This variant has been reported in multiple individuals with clinical features of gene-specific disease [PMID: 30201732, 30616628].

Labcorp Genetics (formerly Invitae), Labcorp
Classification: Likely pathogenic for Pheochromocytoma/paraganglioma syndrome 5; Mitochondrial complex II deficiency, nuclear type 1. Last evaluated: 2026-01-19. Review status: criteria provided, single submitter. Criteria: Invitae Variant Classification Sherloc (09022015). Collection method: clinical testing. Allele origin: germline.
Comment: This sequence change replaces arginine, which is basic and polar, with histidine, which is basic and polar, at codon 171 of the SDHA protein (p.Arg171His). This variant is present in population databases (rs587782076, gnomAD 0.008%). This missense change has been observed in individuals with gastrointestinal stromal tumor, paraganglioma, and/or pheochromocytoma (PMID: 30201732, 35059314; external communication, internal data). ClinVar contains an entry for this variant (Variation ID: 141875). Invitae Evidence Modeling of protein sequence and biophysical properties (such as structural, functional, and spatial information, amino acid conservation, physicochemical variation, residue mobility, and thermodynamic stability) has been performed for this missense variant. However, the output from this modeling did not meet the statistical confidence thresholds required to predict the impact of this variant on SDHA protein function. Experimental studies are conflicting or provide insufficient evidence to determine the effect of this variant on SDHA function (PMID: 28724664, 39321216). In summary, the currently available evidence indicates that the variant is pathogenic, but additional data are needed to prove that conclusively. Therefore, this variant has been classified as Likely Pathogenic.

Center for Genomic Medicine, Rigshospitalet, Copenhagen University Hospital
Classification: Uncertain significance for Neoplasm. Last evaluated: 2025-12-29. Review status: criteria provided, single submitter. Criteria: ClinGen/CGC/VICC Guidelines for Oncogenicity, 2022. Collection method: clinical testing. Allele origin: somatic. Affected: yes.

Ambry Genetics
Classification: Likely pathogenic for Hereditary cancer-predisposing syndrome. Last evaluated: 2025-07-24. Review status: criteria provided, single submitter. Criteria: Ambry Variant Classification Scheme 2023. Collection method: clinical testing. Allele origin: germline.
Comment: The p.R171H variant (also known as c.512G>A), located in coding exon 5 of the SDHA gene, results from a G to A substitution at nucleotide position 512. The arginine at codon 171 is replaced by histidine, an amino acid with highly similar properties. This alteration has been identified in multiple individuals diagnosed with a pheochromocytoma and/or paraganglioma (Ambry internal data; Benn DE et al. J. Med. Genet., 2018 11;55:729-734). This alteration was also identified in an individual with a gastrointestinal stromal tumor (Pantaleo MA et al. Front Oncol, 2021 Jan;11:778461). This amino acid position is highly conserved in available vertebrate species. In addition, this alteration is predicted to be deleterious by in silico analysis. Based on the majority of available evidence to date, this variant is likely to be pathogenic.

GeneDx
Classification: Uncertain significance. Last evaluated: 2024-03-20. Review status: criteria provided, single submitter. Criteria: GeneDx Variant Classification Process June 2021. Collection method: clinical testing. Allele origin: germline. Affected: yes.
Comment: In silico analysis supports that this missense variant has a deleterious effect on protein structure/function; Published functional studies suggest a neutral effect: demonstrates normal growth phenotype, protein abundance and catalytic activity comparable to wild type in a yeast-based assay (PMID: 28724664); Not observed at significant frequency in large population cohorts (gnomAD); This variant is associated with the following publications: (PMID: 35982160, 30201732, 35982159, 35059314, 28724664)

St. Jude Molecular Pathology, St. Jude Children's Research Hospital
Classification: Uncertain significance for Pheochromocytoma/paraganglioma syndrome 5. Last evaluated: 2024-02-11. Review status: criteria provided, single submitter. Criteria: St. Jude Assertion Criteria 2020. Collection method: clinical testing. Allele origin: germline.
Comment: The SDHA c.512G>A (p.Arg171His) missense change has a maximum subpopulation frequency of 0.008% in gnomAD v2.1.1. The in silico tool REVEL predicts a deleterious effect on protein function, but to our knowledge this prediction has not been confirmed by functional studies. This variant has been reported in individuals with SDHA-related tumors (PMID: 30201732, 30616628). In summary, the evidence currently available is insufficient to determine the clinical significance of this variant. It has therefore been classified as of uncertain significance.

Baylor Genetics
Classification: Uncertain significance for Dilated cardiomyopathy 1GG. Last evaluated: 2023-10-19. Review status: criteria provided, single submitter. Criteria: ACMG Guidelines, 2015. Collection method: clinical testing. Allele origin: unknown.

“Giorgio Prodi” Cancer Research Center, University of Bologna
Classification: Uncertain significance for Gastrointestinal stromal tumor. Last evaluated: 2021-10-01. Review status: criteria provided, single submitter. Criteria: ACMG Guidelines, 2015. Collection method: research. Allele origin: germline. Affected: yes. Observed: 1 variant allele.

Illumina Laboratory Services, Illumina
Classification: Uncertain significance for Mitochondrial complex II deficiency, nuclear type 1. Last evaluated: 2018-01-13. Review status: criteria provided, single submitter. Criteria: ICSL Variant Classification Criteria 13 December 2019. Collection method: clinical testing. Allele origin: germline.

Illumina Laboratory Services, Illumina
Classification: Uncertain significance for Leigh syndrome. Last evaluated: 2018-01-13. Review status: criteria provided, single submitter. Criteria: ICSL Variant Classification Criteria 13 December 2019. Collection method: clinical testing. Allele origin: germline.

Illumina Laboratory Services, Illumina
Classification: Uncertain significance for Hereditary Paraganglioma-Pheochromocytoma Syndromes. Last evaluated: 2018-01-13. Review status: criteria provided, single submitter. Criteria: ICSL Variant Classification Criteria 13 December 2019. Collection method: clinical testing. Allele origin: germline.

CeGaT Center for Human Genetics Tuebingen
Classification: Uncertain significance. Last evaluated: 2017-06-01. Review status: criteria provided, single submitter. Criteria: CeGaT Center For Human Genetics Tuebingen Variant Classification Criteria Version 2. Collection method: clinical testing. Allele origin: germline. Affected: yes. Observed: 1 variant allele.

Literature cited by the submitters: PubMed 39321216 (cited by Myriad Genetics, Inc. and Labcorp Genetics (formerly Invitae), Labcorp); PubMed 30201732 (cited by 4 submitters); PubMed 30616628 (cited by Myriad Genetics, Inc.); PubMed 35059314 (cited by 3 submitters); PubMed 28724664 (cited by 3 submitters); PubMed 38473309 (cited by Ambry Genetics).

NM_004168.4(SDHA):c.512G>A (p.Arg171His)

Gene: SDHA (succinate dehydrogenase complex flavoprotein subunit A; plus strand). Cytogenetic location: 5p15.33.
Variant type: single nucleotide variant.
Coding change: c.512G>A on transcript NM_004168.4 (MANE Select); coding-DNA position 512, G replaced by A.
Protein change: p.Arg171His; replaces arginine 171 with histidine.
Molecular consequence: missense variant.
Genome position (GRCh38, 1-based): chr5:225,938, G>A. VCF-style: chr5-225938-G-A. GRCh37 (hg19) VCF-style: chr5-226053-G-A.
Other names: c.368G>A, p.Arg123His (NM_001294332.2); c.512G>A, p.Arg171His (NM_001330758.2); short protein forms R171H, R123H.
Identifiers: ClinVar variation 141875 (VCV000141875.72), dbSNP rs587782076, ClinGen allele CA166671.